The following is an entry in ClinVar:

ClinVar aggregate classification (germline): Uncertain significance (1 of 4 stars; one submission).

Allele frequency attached by ClinVar (database versions not stated): gnomAD exomes 0.00001.
gnomAD v4.1: 5 of 1,614,124 alleles (0.00031%); highest among the groups gnomAD compares: Admixed American, 0.0083%; no homozygotes.

Submission:

Labcorp Genetics (formerly Invitae), Labcorp
Classification: Uncertain significance. Last evaluated: 2025-05-10. Review status: criteria provided, single submitter. Criteria: Invitae Variant Classification Sherloc (09022015). Collection method: clinical testing. Allele origin: germline.
Comment: This sequence change replaces glutamine, which is neutral and polar, with histidine, which is basic and polar, at codon 246 of the EMC1 protein (p.Gln246His). This variant is present in population databases (no rsID available, gnomAD 0.006%). This variant has not been reported in the literature in individuals affected with EMC1-related conditions. ClinVar contains an entry for this variant (Variation ID: 2873116). Invitae Evidence Modeling of protein sequence and biophysical properties (such as structural, functional, and spatial information, amino acid conservation, physicochemical variation, residue mobility, and thermodynamic stability) indicates that this missense variant is not expected to disrupt EMC1 protein function with a negative predictive value of 80%. In summary, the available evidence is currently insufficient to determine the role of this variant in disease. Therefore, it has been classified as a Variant of Uncertain Significance.

NM_015047.3(EMC1):c.738A>C (p.Gln246His)

Genes: EMC1 (ER membrane protein complex subunit 1; minus strand), EMC1-AS1 (EMC1 antisense RNA 1; plus strand). Cytogenetic location: 1p36.13.
Variant type: single nucleotide variant.
Coding change: c.738A>C on transcript NM_015047.3 (MANE Select); coding-DNA position 738, A replaced by C.
Protein change: p.Gln246His; replaces glutamine 246 with histidine.
Molecular consequence: missense variant. On other transcripts: non-coding transcript variant (1).
Genome position (GRCh38, 1-based): chr1:19,240,345, T>G on the plus strand (A>C on the coding strand, the complement: EMC1 is on the minus strand). VCF-style: chr1-19240345-T-G. GRCh37 (hg19) VCF-style: chr1-19566839-T-G.
Other names: c.738A>C, p.Gln246His (NM_001271427.2, NM_001271428.2, NM_001375820.1 and 1 more transcripts); c.672A>C, p.Gln224His (NM_001271429.2); short protein forms Q246H, Q224H.
Identifiers: ClinVar variation 2873116 (VCV002873116.3), dbSNP rs1224971006, ClinGen allele CA338768922.